The following is an entry in ClinVar:

ClinVar aggregate classification (germline): Uncertain significance. Review status: criteria provided, multiple submitters, no conflicts (2 of 4 stars). 2 submissions from 2 submitters: Uncertain significance (2). Last evaluated 2022-05-28.

Conditions:
Hereditary spastic paraplegia 50 (SPG50). Also called: Spastic paraplegia 50, autosomal recessive. Identifiers: Orphanet 280763, MedGen C2752008, MONDO:0013048, OMIM 612936.

Allele frequency attached by ClinVar (database versions not stated): TOPMed 0.00001.
gnomAD v4.1: 22 of 1,613,920 alleles (0.0014%); highest among the groups gnomAD compares: South Asian, 0.0022%; no homozygotes.

Submissions (2):

Labcorp Genetics (formerly Invitae), Labcorp
Classification: Uncertain significance for Hereditary spastic paraplegia 50. Last evaluated: 2022-05-28. Review status: criteria provided, single submitter. Criteria: Invitae Variant Classification Sherloc (09022015). Collection method: clinical testing. Allele origin: germline.
Comment: This sequence change replaces proline, which is neutral and non-polar, with leucine, which is neutral and non-polar, at codon 293 of the AP4M1 protein (p.Pro293Leu). This variant is present in population databases (rs757649099, gnomAD 0.006%). This variant has not been reported in the literature in individuals affected with AP4M1-related conditions. ClinVar contains an entry for this variant (Variation ID: 385568). Algorithms developed to predict the effect of missense changes on protein structure and function are either unavailable or do not agree on the potential impact of this missense change (SIFT: "Deleterious"; PolyPhen-2: "Benign"; Align-GVGD: "Class C15"). In summary, the available evidence is currently insufficient to determine the role of this variant in disease. Therefore, it has been classified as a Variant of Uncertain Significance.

GeneDx
Classification: Uncertain significance. Last evaluated: 2016-04-26. Review status: criteria provided, single submitter. Criteria: GeneDx Variant Classification (06012015). Collection method: clinical testing. Allele origin: germline. Affected: yes.
Comment: A variant of uncertain significance has been identified in the AP4M1 gene. The P293L variant has notbeen published as a pathogenic variant, nor has it been reported as a benign variant to our knowledge.It was not observed in approximately 6,500 individuals of European and African American ancestry inthe NHLBI Exome Sequencing Project, indicating it is not a common benign variant in thesepopulations. The P293L variant is a semi-conservative amino acid substitution, which may impactsecondary protein structure as these residues differ in some properties. This substitution occurs at aposition that is conserved in mammals in the MHD domain of the AP4M1 protein. However,missense variants in nearby residues have not been reported in the Human Gene Mutation Database inassociation with AP4M1-related disorders (Stenson et al., 2014), In silico analysis is inconsistent in itspredictions as to whether or not the variant is damaging to the protein structure/function. Therefore,based on the currently available information, it is unclear whether this variant is a pathogenic variantor a rare benign variant.

NM_004722.4(AP4M1):c.878C>T (p.Pro293Leu)

Gene: AP4M1 (adaptor related protein complex 4 subunit mu 1; plus strand). Cytogenetic location: 7q22.1.
Variant type: single nucleotide variant.
Coding change: c.878C>T on transcript NM_004722.4 (MANE Select); coding-DNA position 878, C replaced by T.
Protein change: p.Pro293Leu; replaces proline 293 with leucine.
Molecular consequence: missense variant.
Genome position (GRCh38, 1-based): chr7:100,105,488, C>T. VCF-style: chr7-100105488-C-T. GRCh37 (hg19) VCF-style: chr7-99703111-C-T.
Other names: c.899C>T, p.Pro300Leu (NM_001363671.2); short protein forms P293L, P300L.
Identifiers: ClinVar variation 385568 (VCV000385568.4), dbSNP rs757649099, ClinGen allele CA4374842.